The following is an entry in ClinVar:

NM_001148.6(ANK2):c.3173G>A (p.Ser1058Asn)

Gene: ANK2 (ankyrin 2; plus strand). Cytogenetic location: 4q26.
Variant type: single nucleotide variant.
Coding change: c.3173G>A on transcript NM_001148.6 (MANE Select); coding-DNA position 3173, G replaced by A.
Protein change: p.Ser1058Asn; replaces serine 1058 with asparagine.
Molecular consequence: missense variant. On other transcripts: intron variant (42).
Genome position (GRCh38, 1-based): chr4:113,332,019, G>A. VCF-style: chr4-113332019-G-A. GRCh37 (hg19) VCF-style: chr4-114253175-G-A.
Other names: c.3039-1035G>A (NM_001386153.1, NM_001354249.2, NM_001354266.2 and 7 more transcripts); c.3024-1035G>A (NM_001354274.2, NM_001386154.1, NM_001386142.1); c.2940-1035G>A (NM_001386151.1, NM_001354260.2, NM_001354271.2); c.3146G>A, p.Ser1049Asn (NM_001127493.3); c.3185G>A, p.Ser1062Asn (NM_001354225.2); c.3215G>A, p.Ser1072Asn (NM_001354231.2, NM_001354242.2); c.3209G>A, p.Ser1070Asn (NM_001354232.2); c.3170G>A, p.Ser1057Asn (NM_001354235.2, NM_001354246.2, NM_001354265.2); and 28 more; short protein forms S1037N, S1048N, S1049N, S1053N, S1070N, S1073N, S1041N, S1072N.
Identifiers: ClinVar variation 1728466 (VCV001728466.2), dbSNP rs2502458968, ClinGen allele CA357935473.

ClinVar aggregate classification (germline): Uncertain significance (1 of 4 stars; one submission).

Conditions:
Cardiovascular phenotype. Identifiers: MedGen CN230736.

Allele frequency attached by ClinVar (database versions not stated): gnomAD exomes below 0.00001.
gnomAD v4.1: 1 of 1,614,172 alleles (0.000062%); highest among the groups gnomAD compares: Non-Finnish European, 0.000085%; no homozygotes.

Submission:

Ambry Genetics
Classification: Uncertain significance for Cardiovascular phenotype. Last evaluated: 2022-05-24. Review status: criteria provided, single submitter. Criteria: Ambry Variant Classification Scheme 2023. Collection method: clinical testing. Allele origin: germline.
Comment: The p.S1058N variant (also known as c.3173G>A), located in coding exon 28 of the ANK2 gene, results from a G to A substitution at nucleotide position 3173. The serine at codon 1058 is replaced by asparagine, an amino acid with highly similar properties. This amino acid position is conserved. In addition, this alteration is predicted to be tolerated by in silico analysis. Since supporting evidence is limited at this time, the clinical significance of this alteration remains unclear.